The following is an entry in ClinVar:

NM_004491.5(ARHGAP35):c.1312G>T (p.Glu438Ter)

Gene: ARHGAP35 (Rho GTPase activating protein 35; plus strand). Cytogenetic location: 19q13.32.
Variant type: single nucleotide variant.
Coding change: c.1312G>T on transcript NM_004491.5 (MANE Select); coding-DNA position 1312, G replaced by T.
Protein change: p.Glu438Ter; replaces glutamic acid 438 with a stop codon.
Molecular consequence: nonsense.
Genome position (GRCh38, 1-based): chr19:46,919,987, G>T. VCF-style: chr19-46919987-G-T. GRCh37 (hg19) VCF-style: chr19-47423244-G-T.
Other names: short protein forms E438*.
Identifiers: ClinVar variation 5029191 (VCV005029191.1).

ClinVar aggregate classification (germline): Pathogenic (1 of 4 stars; one submission).

Submission:

Ambry Genetics
Classification: Pathogenic. Last evaluated: 2026-07-13. Review status: criteria provided, single submitter. Criteria: Ambry Variant Classification Scheme 2023. Collection method: clinical testing. Allele origin: germline.
Comment: The c.1312G>T (p.E438*) alteration, located in exon 1 (coding exon 1) of the ARHGAP35 gene, consists of a G to T substitution at nucleotide position 1312. This changes the amino acid from a glutamic acid (E) to a stop codon at amino acid position 438. This variant is expected to result in loss of function by premature protein truncation or nonsense-mediated mRNA decay. This variant was not reported in population-based cohorts in the Genome Aggregation Database (gnomAD). Based on the available evidence, this alteration is classified as pathogenic.